The following is an entry in ClinVar:

ClinVar aggregate classification (germline): Likely pathogenic. Review status: criteria provided, multiple submitters, no conflicts (2 of 4 stars). 2 submissions from 2 submitters: Likely pathogenic (2). Last evaluated 2024-02-23.

Conditions:
FLNB-related disorder. Also called: FLNB-related condition; FLNB-related disorders. Identifiers: MedGen CN381095.

Submissions (2):

Labcorp Genetics (formerly Invitae), Labcorp
Classification: Likely pathogenic. Last evaluated: 2024-02-23. Review status: criteria provided, single submitter. Criteria: Invitae Variant Classification Sherloc (09022015). Collection method: clinical testing. Allele origin: germline.
Comment: This sequence change replaces phenylalanine, which is neutral and non-polar, with serine, which is neutral and polar, at codon 2023 of the FLNB protein (p.Phe2023Ser). This variant is not present in population databases (gnomAD no frequency). This missense change has been observed in individual(s) with clinical features of FLNB-related conditions (Invitae). In at least one individual the variant was observed to be de novo. Advanced modeling of protein sequence and biophysical properties (such as structural, functional, and spatial information, amino acid conservation, physicochemical variation, residue mobility, and thermodynamic stability) performed at Invitae indicates that this missense variant is not expected to disrupt FLNB protein function with a negative predictive value of 95%. In summary, the currently available evidence indicates that the variant is pathogenic, but additional data are needed to prove that conclusively. Therefore, this variant has been classified as Likely Pathogenic.

Blueprint Genetics
Classification: Likely pathogenic for FLNB-related disorders. Last evaluated: 2023-01-03. Review status: criteria provided, single submitter. Criteria: ACMG Guidelines, 2015. Collection method: clinical testing. Allele origin: germline. Affected: yes. Observed: 1 variant allele.

NM_001457.4(FLNB):c.6068T>C (p.Phe2023Ser)

Gene: FLNB (filamin B; plus strand). Cytogenetic location: 3p14.3.
Variant type: single nucleotide variant.
Coding change: c.6068T>C on transcript NM_001457.4 (MANE Select); coding-DNA position 6068, T replaced by C.
Protein change: p.Phe2023Ser; replaces phenylalanine 2023 with serine.
Molecular consequence: missense variant.
Genome position (GRCh38, 1-based): chr3:58,148,829, T>C. VCF-style: chr3-58148829-T-C. GRCh37 (hg19) VCF-style: chr3-58134556-T-C.
Other names: c.6161T>C, p.Phe2054Ser (NM_001164317.2); c.6035T>C, p.Phe2012Ser (NM_001164318.2); c.5996T>C, p.Phe1999Ser (NM_001164319.2); short protein forms F1999S, F2023S, F2054S, F2012S.
Identifiers: ClinVar variation 2711306 (VCV002711306.4), dbSNP rs2471206868, ClinGen allele CA353356504.